The following is an entry in ClinVar:

ClinVar aggregate classification (germline): Likely benign. Review status: criteria provided, multiple submitters, no conflicts (2 of 4 stars). 4 submissions from 4 submitters: Likely benign (4). Last evaluated 2025-09-11.

Conditions:
Hereditary cancer-predisposing syndrome. Also called: Hereditary Cancer Syndrome; Tumor predisposition; Hereditary neoplastic syndrome; Neoplastic Syndromes, Hereditary. Identifiers: Orphanet 140162, MedGen C0027672, MeSH D009386, MONDO:0015356.
Hereditary breast ovarian cancer syndrome. Also called: Hereditary breast and ovarian cancer syndrome; Hereditary breast and ovarian cancer; Hereditary breast and/or ovarian cancer syndrome; Hereditary breast and ovarian cancer syndrome (HBOC); Breast and ovarian cancer; BRCA1- and BRCA2-Associated Hereditary Breast and Ovarian Cancer. Identifiers: Orphanet 145, MedGen C0677776, MeSH D061325, MONDO:0003582. Disease mechanism: loss of function.

Submissions (4):

Labcorp Genetics (formerly Invitae), Labcorp
Classification: Likely benign for Hereditary breast ovarian cancer syndrome. Last evaluated: 2025-09-11. Review status: criteria provided, single submitter. Criteria: Invitae Variant Classification Sherloc (09022015). Collection method: clinical testing. Allele origin: germline.

Blueprint Genetics
Classification: Likely benign. Last evaluated: 2024-09-30. Review status: criteria provided, single submitter. Criteria: ACMG Guidelines, 2015. Collection method: clinical testing. Allele origin: germline.

Ambry Genetics
Classification: Likely benign for Hereditary cancer-predisposing syndrome. Last evaluated: 2020-01-24. Review status: criteria provided, single submitter. Criteria: Ambry Variant Classification Scheme 2023. Collection method: clinical testing. Allele origin: germline.

GeneDx
Classification: Likely benign. Last evaluated: 2018-01-02. Review status: criteria provided, single submitter. Criteria: GeneDx Variant Classification (06012015). Collection method: clinical testing. Allele origin: germline. Affected: yes.
Comment: This variant is considered likely benign or benign based on one or more of the following criteria: it is a conservative change, it occurs at a poorly conserved position in the protein, it is predicted to be benign by multiple in silico algorithms, and/or has population frequency not consistent with disease.

NM_007294.4(BRCA1):c.1567T>C (p.Leu523=)

Gene: BRCA1 (BRCA1 DNA repair associated; minus strand). Cytogenetic location: 17q21.31.
Variant type: single nucleotide variant.
Coding change: c.1567T>C on transcript NM_007294.4 (MANE Select); coding-DNA position 1567, T replaced by C.
Protein change: p.Leu523=; no amino-acid change (leucine 523 retained).
Molecular consequence: synonymous variant. On other transcripts: intron variant (137).
Genome position (GRCh38, 1-based): chr17:43,093,964, A>G on the plus strand (T>C on the coding strand, the complement: BRCA1 is on the minus strand). VCF-style: chr17-43093964-A-G. GRCh37 (hg19) VCF-style: chr17-41245981-A-G.
Other names: c.1567T>C, p.Leu523= (NM_001407639.1, NM_001407640.1, NM_001407641.1 and 30 more transcripts); c.1564T>C, p.Leu522= (NM_001407644.1, NM_001407645.1, NM_001407860.1 and 22 more transcripts); c.1558T>C, p.Leu520= (NM_001407646.1, NM_001407647.1); c.1444T>C, p.Leu482= (NM_001407648.1, NM_001407664.1, NM_001407665.1 and 19 more transcripts); c.1441T>C, p.Leu481= (NM_001407649.1, NM_001407670.1, NM_001407671.1 and 11 more transcripts); c.1489T>C, p.Leu497= (NM_001407653.1, NM_001407654.1, NM_001407655.1 and 4 more transcripts); c.1486T>C, p.Leu496= (NM_001407659.1, NM_001407660.1, NM_001407661.1 and 1 more transcripts); c.1426T>C, p.Leu476= (NM_001407692.1, NM_001407694.1, NM_001407695.1 and 29 more transcripts); and 40 more.
Identifiers: ClinVar variation 514528 (VCV000514528.13), dbSNP rs754398271, ClinGen allele CA500233409.